The following is an entry in ClinVar:

ClinVar aggregate classification (germline): Uncertain significance (1 of 4 stars; one submission).

Conditions:
Agammaglobulinemia 2, autosomal recessive (AGM2). Also called: AGAMMAGLOBULINEMIA, AUTOSOMAL RECESSIVE, DUE TO IGLL1 DEFECT. Identifiers: MedGen C3150750, MONDO:0013287, OMIM 613500.

Allele frequency attached by ClinVar (database versions not stated): gnomAD exomes below 0.00001; ExAC 0.00001.

Submission:

Labcorp Genetics (formerly Invitae), Labcorp
Classification: Uncertain significance for Agammaglobulinemia 2, autosomal recessive. Last evaluated: 2022-05-03. Review status: criteria provided, single submitter. Criteria: Invitae Variant Classification Sherloc (09022015). Collection method: clinical testing. Allele origin: germline.
Comment: In summary, the available evidence is currently insufficient to determine the role of this variant in disease. Therefore, it has been classified as a Variant of Uncertain Significance. Algorithms developed to predict the effect of missense changes on protein structure and function (SIFT, PolyPhen-2, Align-GVGD) all suggest that this variant is likely to be tolerated. This variant has not been reported in the literature in individuals affected with IGLL1-related conditions. This variant is present in population databases (rs752900808, gnomAD 0.0009%). This sequence change replaces glutamine, which is neutral and polar, with arginine, which is basic and polar, at codon 195 of the IGLL1 protein (p.Gln195Arg).

NM_020070.4(IGLL1):c.584A>G (p.Gln195Arg)

Gene: IGLL1 (immunoglobulin lambda like polypeptide 1; minus strand). Cytogenetic location: 22q11.23.
Variant type: single nucleotide variant.
Coding change: c.584A>G on transcript NM_020070.4 (MANE Select); coding-DNA position 584, A replaced by G.
Protein change: p.Gln195Arg; replaces glutamine 195 with arginine.
Molecular consequence: missense variant. On other transcripts: 3 prime UTR variant (1).
Genome position (GRCh38, 1-based): chr22:23,573,324, T>C on the plus strand (A>G on the coding strand, the complement: IGLL1 is on the minus strand). VCF-style: chr22-23573324-T-C. GRCh37 (hg19) VCF-style: chr22-23915511-T-C.
Other names: c.587A>G, p.Gln196Arg (NM_001369906.1); c.*213A>G (NM_152855.3); short protein forms Q195R, Q196R.
Identifiers: ClinVar variation 2132714 (VCV002132714.4), dbSNP rs752900808, ClinGen allele CA10143223.